The following is an entry in ClinVar:

ClinVar aggregate classification (germline): Likely benign. Review status: criteria provided, multiple submitters, no conflicts (2 of 4 stars). 3 submissions from 3 submitters: Likely benign (3). Last evaluated 2023-02-16.

Allele frequency attached by ClinVar (database versions not stated): ExAC 0.00002; gnomAD exomes 0.00003 and 0.00005; TOPMed 0.00003; gnomAD 0.00006.
gnomAD v4.1: 80 of 1,594,600 alleles (0.005%); highest among the groups gnomAD compares: Middle Eastern, 0.05%; no homozygotes.

Submissions (3):

Blueprint Genetics
Classification: Likely benign. Last evaluated: 2023-02-16. Review status: criteria provided, single submitter. Criteria: ACMG Guidelines, 2015. Collection method: clinical testing. Allele origin: germline.

GeneDx
Classification: Likely benign. Last evaluated: 2018-01-11. Review status: criteria provided, single submitter. Criteria: GeneDx Variant Classification (06012015). Collection method: clinical testing. Allele origin: germline. Affected: yes.
Comment: This variant is considered likely benign or benign based on one or more of the following criteria: it is a conservative change, it occurs at a poorly conserved position in the protein, it is predicted to be benign by multiple in silico algorithms, and/or has population frequency not consistent with disease.

Breakthrough Genomics
Classification: Likely benign. Review status: criteria provided, single submitter. Criteria: ACMG Guidelines, 2015. Collection method: not provided. Allele origin: germline. Inheritance: Unknown mechanism. Affected: yes.

NM_005911.6(MAT2A):c.-18C>T

Gene: MAT2A (methionine adenosyltransferase 2A; plus strand). Cytogenetic location: 2p11.2.
Variant type: single nucleotide variant.
Coding change: c.-18C>T on transcript NM_005911.6 (MANE Select); 18 bases upstream of the start codon, C replaced by T.
Molecular consequence: 5 prime UTR variant.
Genome position (GRCh38, 1-based): chr2:85,539,270, C>T. VCF-style: chr2-85539270-C-T. GRCh37 (hg19) VCF-style: chr2-85766393-C-T.
Identifiers: ClinVar variation 509840 (VCV000509840.3), dbSNP rs772772892, ClinGen allele CA1741254.